The following is an entry in ClinVar:

NM_000180.4(GUCY2D):c.2181C>A (p.Gly727=)

Gene: GUCY2D (guanylate cyclase 2D, retinal; plus strand). Cytogenetic location: 17p13.1.
Variant type: single nucleotide variant.
Coding change: c.2181C>A on transcript NM_000180.4 (MANE Select); coding-DNA position 2181, C replaced by A.
Protein change: p.Gly727=; no amino-acid change (glycine 727 retained).
Molecular consequence: synonymous variant.
Genome position (GRCh38, 1-based): chr17:8,013,170, C>A. VCF-style: chr17-8013170-C-A. GRCh37 (hg19) VCF-style: chr17-7916488-C-A.
Identifiers: ClinVar variation 772296 (VCV000772296.29), dbSNP rs140628227, ClinGen allele CA8366037.

ClinVar aggregate classification (germline): Likely benign. Review status: criteria provided, multiple submitters, no conflicts (2 of 4 stars). 4 submissions from 4 submitters: Likely benign (4). Last evaluated 2026-01-25.

Conditions:
Cone-rod dystrophy 6 (CORD6). Also called: RETINAL CONE DYSTROPHY 2; Cone dystrophy progressive. Identifiers: Orphanet 1872, MedGen C1866293, MONDO:0011143, OMIM 601777.
Leber congenital amaurosis 1 (LCA1). Also called: RETINAL BLINDNESS, CONGENITAL; Congenital absence of the rods and cones; Leber's congenital tapetoretinal degeneration; Leber's congenital tapetoretinal dysplasia; AMAUROSIS CONGENITA OF LEBER I. Identifiers: Orphanet 65, MedGen C2931258, MONDO:0008764, OMIM 204000.

Allele frequency attached by ClinVar (database versions not stated): gnomAD 0.00032; TOPMed 0.00041; ESP Exome Variant Server 0.00046; ExAC 0.00063; 1000 Genomes Project 0.00140; 1000 Genomes Project 30x 0.00141.
gnomAD v4.1: 818 of 1,613,976 alleles (0.051%); highest among the groups gnomAD compares: Middle Eastern, 0.58%; 4 homozygotes.

Submissions (4):

Labcorp Genetics (formerly Invitae), Labcorp
Classification: Likely benign for Leber congenital amaurosis 1; Cone-rod dystrophy 6. Last evaluated: 2026-01-25. Review status: criteria provided, single submitter. Criteria: Invitae Variant Classification Sherloc (09022015). Collection method: clinical testing. Allele origin: germline.

CeGaT Center for Human Genetics Tuebingen
Classification: Likely benign. Last evaluated: 2025-05-01. Review status: criteria provided, single submitter. Criteria: CeGaT Center For Human Genetics Tuebingen Variant Classification Criteria Version 2. Collection method: clinical testing. Allele origin: germline. Affected: yes. Observed: 2 variant alleles.
Comment: GUCY2D: BP4, BP7

Blueprint Genetics
Classification: Likely benign. Last evaluated: 2024-11-25. Review status: criteria provided, single submitter. Criteria: ACMG Guidelines, 2015. Collection method: clinical testing. Allele origin: germline.

Breakthrough Genomics
Classification: Likely benign. Review status: criteria provided, single submitter. Criteria: ACMG Guidelines, 2015. Collection method: not provided. Allele origin: germline. Inheritance: Autosomal recessive inheritance. Affected: yes.